The following is an entry in ClinVar:

ClinVar aggregate classification (germline): Uncertain significance (1 of 4 stars; one submission).

Allele frequency attached by ClinVar (database versions not stated): gnomAD 0.00003; TOPMed 0.00005; ESP Exome Variant Server 0.00008; 1000 Genomes Project 30x 0.00016; 1000 Genomes Project 0.00020.

Submission:

Labcorp Genetics (formerly Invitae), Labcorp
Classification: Uncertain significance. Last evaluated: 2022-08-28. Review status: criteria provided, single submitter. Criteria: Invitae Variant Classification Sherloc (09022015). Collection method: clinical testing. Allele origin: germline.
Comment: This sequence change replaces alanine, which is neutral and non-polar, with threonine, which is neutral and polar, at codon 205 of the ADGRG1 protein (p.Ala205Thr). This variant is present in population databases (rs201006096, gnomAD 0.01%). This variant has not been reported in the literature in individuals affected with ADGRG1-related conditions. Advanced modeling of protein sequence and biophysical properties (such as structural, functional, and spatial information, amino acid conservation, physicochemical variation, residue mobility, and thermodynamic stability) performed at Invitae indicates that this missense variant is not expected to disrupt ADGRG1 protein function. In summary, the available evidence is currently insufficient to determine the role of this variant in disease. Therefore, it has been classified as a Variant of Uncertain Significance.

NM_201525.4(ADGRG1):c.613G>A (p.Ala205Thr)

Gene: ADGRG1 (adhesion G protein-coupled receptor G1; plus strand). Cytogenetic location: 16q21.
Variant type: single nucleotide variant.
Coding change: c.613G>A on transcript NM_201525.4 (MANE Select); coding-DNA position 613, G replaced by A.
Protein change: p.Ala205Thr; replaces alanine 205 with threonine.
Molecular consequence: missense variant. On other transcripts: intron variant (1).
Genome position (GRCh38, 1-based): chr16:57,653,328, G>A. VCF-style: chr16-57653328-G-A. GRCh37 (hg19) VCF-style: chr16-57687240-G-A.
Other names: c.613G>A, p.Ala205Thr (NM_001145770.3, NM_001145771.3, NM_001145772.3 and 16 more transcripts); c.628G>A, p.Ala210Thr (NM_001145773.3, NM_001370433.1); c.88G>A, p.Ala30Thr (NM_001290143.2, NM_001290144.2, NM_001370451.1 and 2 more transcripts); c.457G>A, p.Ala153Thr (NM_001370442.1); c.111-658G>A (NM_001290142.2); short protein forms A153T, A30T, A205T, A210T.
Identifiers: ClinVar variation 2145992 (VCV002145992.1), dbSNP rs201006096, ClinGen allele CA8078432.